The following is an entry in ClinVar:

ClinVar aggregate classification (germline): Uncertain significance (1 of 4 stars; one submission).

Submission:

GeneDx
Classification: Uncertain significance. Last evaluated: 2019-05-07. Review status: criteria provided, single submitter. Criteria: GeneDx Variant Classification Process June 2021. Collection method: clinical testing. Allele origin: germline. Affected: yes.
Comment: Not observed in large population cohorts (Lek et al., 2016); In silico analysis, which includes splice predictors and evolutionary conservation, supports a deleterious effect; Has not been previously published as pathogenic or benign to our knowledge

NM_000540.3(RYR1):c.15056G>A (p.Cys5019Tyr)

Gene: RYR1 (ryanodine receptor 1; plus strand). Cytogenetic location: 19q13.2.
Variant type: single nucleotide variant.
Coding change: c.15056G>A on transcript NM_000540.3 (MANE Select); coding-DNA position 15056, G replaced by A.
Protein change: p.Cys5019Tyr; replaces cysteine 5019 with tyrosine.
Molecular consequence: missense variant.
Genome position (GRCh38, 1-based): chr19:38,587,359, G>A. VCF-style: chr19-38587359-G-A. GRCh37 (hg19) VCF-style: chr19-39077999-G-A.
Other names: c.15041G>A, p.Cys5014Tyr (NM_001042723.2); short protein forms C5014Y, C5019Y.
Identifiers: ClinVar variation 1305390 (VCV001305390.2), dbSNP rs2145922036, ClinGen allele CA405694175.